The following is an entry in ClinVar:

NM_001346249.2(RALGAPA1):c.4250C>T (p.Ser1417Leu)

Gene: RALGAPA1 (Ral GTPase activating protein catalytic subunit alpha 1; minus strand). Cytogenetic location: 14q13.2.
Variant type: single nucleotide variant.
Coding change: c.4250C>T on transcript NM_001346249.2 (MANE Select); coding-DNA position 4250, C replaced by T.
Protein change: p.Ser1417Leu; replaces serine 1417 with leucine.
Molecular consequence: missense variant.
Genome position (GRCh38, 1-based): chr14:35,684,973, G>A on the plus strand (C>T on the coding strand, the complement: RALGAPA1 is on the minus strand). VCF-style: chr14-35684973-G-A. GRCh37 (hg19) VCF-style: chr14-36154179-G-A.
Other names: c.2771C>T, p.Ser924Leu (NM_001283043.3); c.2873C>T, p.Ser958Leu (NM_001283044.3, NM_001346245.2, NM_001346247.2); c.4109C>T, p.Ser1370Leu (NM_001330075.3, NM_001346248.2); c.2732C>T, p.Ser911Leu (NM_001346243.2, NM_001346246.2, NM_014990.3 and 1 more transcripts); short protein forms S1370L, S1417L, S911L, S924L, S958L.
Identifiers: ClinVar variation 1700365 (VCV001700365.2), dbSNP rs2140393654, ClinGen allele CA389462764.

ClinVar aggregate classification (germline): Uncertain significance (1 of 4 stars; one submission).

Allele frequency attached by ClinVar (database versions not stated): gnomAD exomes below 0.00001.
gnomAD v4.1: 2 of 1,613,462 alleles (0.00012%); highest among the groups gnomAD compares: Non-Finnish European, 0.00017%; no homozygotes.

Submission:

GeneDx
Classification: Uncertain significance. Last evaluated: 2022-02-08. Review status: criteria provided, single submitter. Criteria: GeneDx Variant Classification Process June 2021. Collection method: clinical testing. Allele origin: germline. Affected: yes.
Comment: Not observed at significant frequency in large population cohorts (gnomAD); In silico analysis supports that this missense variant does not alter protein structure/function; Has not been previously published as pathogenic or benign to our knowledge